The following is an entry in ClinVar:

NM_006946.4(SPTBN2):c.3748C>T (p.Arg1250Trp)

Gene: SPTBN2 (spectrin beta, non-erythrocytic 2; minus strand). Cytogenetic location: 11q13.2.
Variant type: single nucleotide variant.
Coding change: c.3748C>T on transcript NM_006946.4 (MANE Select); coding-DNA position 3748, C replaced by T.
Protein change: p.Arg1250Trp; replaces arginine 1250 with tryptophan.
Molecular consequence: missense variant.
Genome position (GRCh38, 1-based): chr11:66,699,434, G>A on the plus strand (C>T on the coding strand, the complement: SPTBN2 is on the minus strand). VCF-style: chr11-66699434-G-A. GRCh37 (hg19) VCF-style: chr11-66466905-G-A.
Other names: c.3748C>T (NM_006946.2); short protein forms R1250W.
Identifiers: ClinVar variation 546673 (VCV000546673.45), dbSNP rs766723349, ClinGen allele CA6128784.

ClinVar aggregate classification (germline): Uncertain significance. Review status: criteria provided, multiple submitters, no conflicts (2 of 4 stars). 2 submissions from 2 submitters: Uncertain significance (2). Last evaluated 2020-11-12.

Conditions:
Inborn genetic diseases. Identifiers: MedGen C0950123, MeSH D030342.

Allele frequency attached by ClinVar (database versions not stated): gnomAD 0.00006 and 0.00005; ExAC 0.00002; TOPMed 0.00002.
gnomAD v4.1: 28 of 1,614,000 alleles (0.0017%); highest among the groups gnomAD compares: African/African-American, 0.008%; no homozygotes.

Submissions (2):

Ambry Genetics
Classification: Uncertain significance for Inborn genetic diseases. Last evaluated: 2020-11-12. Review status: criteria provided, single submitter. Criteria: Ambry Variant Classification Scheme 2023. Collection method: clinical testing. Allele origin: germline.
Comment: The c.3748C>T (p.R1250W) alteration is located in exon 17 (coding exon 16) of the SPTBN2 gene. This alteration results from a C to T substitution at nucleotide position 3748, causing the arginine (R) at amino acid position 1250 to be replaced by a tryptophan (W). Based on data from the Genome Aggregation Database (gnomAD) database, the SPTBN2 c.3748C>T alteration was observed in 0.0032% (9/282,850) of total alleles studied, with a frequency of 0.01% (3/24,964) in the African subpopulation. This amino acid position is not well conserved in available vertebrate species. The p.R1250W alteration is predicted to be tolerated by in silico analysis. Based on insufficient or conflicting evidence, the clinical significance of this alteration remains unclear.

CeGaT Center for Human Genetics Tuebingen
Classification: Uncertain significance. Last evaluated: 2018-01-01. Review status: criteria provided, single submitter. Criteria: CeGaT Center For Human Genetics Tuebingen Variant Classification Criteria Version 2. Collection method: clinical testing. Allele origin: germline. Affected: yes. Observed: 1 variant allele.